The following is an entry in ClinVar:

ClinVar aggregate classification (germline): Uncertain significance (1 of 4 stars; one submission).

Allele frequency attached by ClinVar (database versions not stated): TOPMed below 0.00001; ExAC 0.00001; gnomAD 0.00001; gnomAD exomes 0.00001.
gnomAD v4.1: 13 of 1,613,794 alleles (0.00081%); highest among the groups gnomAD compares: Admixed American, 0.0017%; no homozygotes.

Submission:

Labcorp Genetics (formerly Invitae), Labcorp
Classification: Uncertain significance. Last evaluated: 2025-05-13. Review status: criteria provided, single submitter. Criteria: Invitae Variant Classification Sherloc (09022015). Collection method: clinical testing. Allele origin: germline.
Comment: This sequence change replaces glutamic acid, which is acidic and polar, with lysine, which is basic and polar, at codon 1686 of the CACNA1D protein (p.Glu1686Lys). This variant is present in population databases (rs758791188, gnomAD 0.003%). This variant has not been reported in the literature in individuals affected with CACNA1D-related conditions. ClinVar contains an entry for this variant (Variation ID: 3017819). An algorithm developed to predict the effect of missense changes on protein structure and function (PolyPhen-2) suggests that this variant is likely to be tolerated. In summary, the available evidence is currently insufficient to determine the role of this variant in disease. Therefore, it has been classified as a Variant of Uncertain Significance.

NM_001128840.3(CACNA1D):c.4996G>A (p.Glu1666Lys)

Gene: CACNA1D (calcium voltage-gated channel subunit alpha1 D; plus strand). Cytogenetic location: 3p21.1.
Variant type: single nucleotide variant.
Coding change: c.4996G>A on transcript NM_001128840.3 (MANE Select); coding-DNA position 4996, G replaced by A.
Protein change: p.Glu1666Lys; replaces glutamic acid 1666 with lysine.
Molecular consequence: missense variant.
Genome position (GRCh38, 1-based): chr3:53,800,321, G>A. VCF-style: chr3-53800321-G-A. GRCh37 (hg19) VCF-style: chr3-53834348-G-A.
Other names: c.5056G>A, p.Glu1686Lys (NM_000720.4); c.4951G>A, p.Glu1651Lys (NM_001128839.3); short protein forms E1686K, E1651K, E1666K.
Identifiers: ClinVar variation 3017819 (VCV003017819.3), dbSNP rs758791188, ClinGen allele CA2455052.